The following is an entry in ClinVar:

ClinVar aggregate classification (germline): Pathogenic (1 of 4 stars; one submission).

Conditions:
Alstrom syndrome (ALMS). Identifiers: Orphanet 64, MedGen C0268425, MONDO:0008763, OMIM 203800.

Submission:

Labcorp Genetics (formerly Invitae), Labcorp
Classification: Pathogenic for Alstrom syndrome. Last evaluated: 2023-10-05. Review status: criteria provided, single submitter. Criteria: Invitae Variant Classification Sherloc (09022015). Collection method: clinical testing. Allele origin: germline.
Comment: This sequence change creates a premature translational stop signal (p.Lys934*) in the ALMS1 gene. It is expected to result in an absent or disrupted protein product. Loss-of-function variants in ALMS1 are known to be pathogenic (PMID: 17594715). This variant is not present in population databases (gnomAD no frequency). This variant has not been reported in the literature in individuals affected with ALMS1-related conditions. For these reasons, this variant has been classified as Pathogenic.

Literature cited by the submitters: PubMed 17594715.

NM_001378454.1(ALMS1):c.2797A>T (p.Lys933Ter)

Gene: ALMS1 (ALMS1 centrosome and basal body associated protein; plus strand). Cytogenetic location: 2p13.1.
Variant type: single nucleotide variant.
Coding change: c.2797A>T on transcript NM_001378454.1 (MANE Select); coding-DNA position 2797, A replaced by T.
Protein change: p.Lys933Ter; replaces lysine 933 with a stop codon.
Molecular consequence: nonsense.
Genome position (GRCh38, 1-based): chr2:73,449,324, A>T. VCF-style: chr2-73449324-A-T. GRCh37 (hg19) VCF-style: chr2-73676451-A-T.
Other names: c.2800A>T, p.Lys934Ter (NM_015120.4); short protein forms K934*, K933*.
Identifiers: ClinVar variation 2766077 (VCV002766077.3), dbSNP rs2466095962, ClinGen allele CA347272119.